The following is an entry in ClinVar:

ClinVar aggregate classification (germline): Uncertain significance (1 of 4 stars; one submission).

Conditions:
Carney complex, type 1 (CNC1). Also called: CARNEY COMPLEX, TYPE I; CARNEY MYXOMA-ENDOCRINE COMPLEX. Identifiers: Orphanet 1359, MedGen C2607929, MONDO:0008057, OMIM 160980.

Submission:

Labcorp Genetics (formerly Invitae), Labcorp
Classification: Uncertain significance for Carney complex, type 1. Last evaluated: 2024-12-28. Review status: criteria provided, single submitter. Criteria: Invitae Variant Classification Sherloc (09022015). Collection method: clinical testing. Allele origin: germline.
Comment: This sequence change replaces methionine, which is neutral and non-polar, with threonine, which is neutral and polar, at codon 236 of the PRKAR1A protein (p.Met236Thr). This variant is not present in population databases (gnomAD no frequency). This variant has not been reported in the literature in individuals affected with PRKAR1A-related conditions. Invitae Evidence Modeling of protein sequence and biophysical properties (such as structural, functional, and spatial information, amino acid conservation, physicochemical variation, residue mobility, and thermodynamic stability) indicates that this missense variant is expected to disrupt PRKAR1A protein function with a positive predictive value of 80%. In summary, the available evidence is currently insufficient to determine the role of this variant in disease. Therefore, it has been classified as a Variant of Uncertain Significance.

NM_002734.5(PRKAR1A):c.707T>C (p.Met236Thr)

Gene: PRKAR1A (protein kinase cAMP-dependent type I regulatory subunit alpha; plus strand). Cytogenetic location: 17q24.2.
Variant type: single nucleotide variant.
Coding change: c.707T>C on transcript NM_002734.5 (MANE Select); coding-DNA position 707, T replaced by C.
Protein change: p.Met236Thr; replaces methionine 236 with threonine.
Molecular consequence: missense variant.
Genome position (GRCh38, 1-based): chr17:68,525,911, T>C. VCF-style: chr17-68525911-T-C. GRCh37 (hg19) VCF-style: chr17-66522052-T-C.
Other names: c.707T>C, p.Met236Thr (NM_001276289.2, NM_001276290.1, NM_001278433.2 and 4 more transcripts); short protein forms M236T.
Identifiers: ClinVar variation 3669312 (VCV003669312.2).